The following is an entry in ClinVar:

NM_015909.4(NBAS):c.4031A>T (p.His1344Leu)

Gene: NBAS (NBAS subunit of NRZ tethering complex; minus strand). Cytogenetic location: 2p24.3.
Variant type: single nucleotide variant.
Coding change: c.4031A>T on transcript NM_015909.4 (MANE Select); coding-DNA position 4031, A replaced by T.
Protein change: p.His1344Leu; replaces histidine 1344 with leucine.
Molecular consequence: missense variant. On other transcripts: non-coding transcript variant (1).
Genome position (GRCh38, 1-based): chr2:15,353,611, T>A on the plus strand (A>T on the coding strand, the complement: NBAS is on the minus strand). VCF-style: chr2-15353611-T-A. GRCh37 (hg19) VCF-style: chr2-15493735-T-A.
Other names: c.4031A>T (NM_015909.2); short protein forms H1344L.
Identifiers: ClinVar variation 1039319 (VCV001039319.10), dbSNP rs201325677, ClinGen allele CA1535816.

ClinVar aggregate classification (germline): Uncertain significance. Review status: criteria provided, multiple submitters, no conflicts (2 of 4 stars). 2 submissions from 2 submitters: Uncertain significance (2). Last evaluated 2026-04-01.

Conditions:
Inborn genetic diseases. Identifiers: MedGen C0950123, MeSH D030342.
Infantile liver failure syndrome 2 (ILFS2). Identifiers: MedGen C3809651, MONDO:0014659, OMIM 616483.
Short stature-optic atrophy-Pelger-Huët anomaly syndrome. Also called: Short stature, optic nerve atrophy, and Pelger-Huet anomaly; Short stature-optic atrophy-Pelger-HuC+t anomaly syndrome. Identifiers: Orphanet 391677, MedGen C3541319, MONDO:0013889, OMIM 614800.

Allele frequency attached by ClinVar (database versions not stated): gnomAD 0.00009 and 0.00008; ESP Exome Variant Server 0.00008; TOPMed 0.00006; ExAC 0.00003.
gnomAD v4.1: 92 of 1,613,954 alleles (0.0057%); highest among the groups gnomAD compares: Non-Finnish European, 0.0076%; no homozygotes.

Submissions (2):

Ambry Genetics
Classification: Uncertain significance for Inborn genetic diseases. Last evaluated: 2026-04-01. Review status: criteria provided, single submitter. Criteria: Ambry Variant Classification Scheme 2023. Collection method: clinical testing. Allele origin: germline.

Labcorp Genetics (formerly Invitae), Labcorp
Classification: Uncertain significance. Last evaluated: 2022-08-19. Review status: criteria provided, single submitter. Criteria: Invitae Variant Classification Sherloc (09022015). Collection method: clinical testing. Allele origin: germline.
Comment: This sequence change replaces histidine, which is basic and polar, with leucine, which is neutral and non-polar, at codon 1344 of the NBAS protein (p.His1344Leu). This variant is present in population databases (rs201325677, gnomAD 0.006%). This variant has not been reported in the literature in individuals affected with NBAS-related conditions. ClinVar contains an entry for this variant (Variation ID: 1039319). Algorithms developed to predict the effect of missense changes on protein structure and function (SIFT, PolyPhen-2, Align-GVGD) all suggest that this variant is likely to be disruptive. In summary, the available evidence is currently insufficient to determine the role of this variant in disease. Therefore, it has been classified as a Variant of Uncertain Significance.